The following is an entry in ClinVar:

NM_001291867.2(NHS):c.2168G>A (p.Trp723Ter)

Gene: NHS (NHS actin remodeling regulator; plus strand). Cytogenetic location: Xp22.13.
Variant type: single nucleotide variant.
Coding change: c.2168G>A on transcript NM_001291867.2 (MANE Select); coding-DNA position 2168, G replaced by A.
Protein change: p.Trp723Ter; replaces tryptophan 723 with a stop codon.
Molecular consequence: nonsense.
Genome position (GRCh38, 1-based): chrX:17,726,274, G>A. VCF-style: chrX-17726274-G-A. GRCh37 (hg19) VCF-style: chrX-17744394-G-A.
Other names: c.1637G>A, p.Trp546Ter (NM_001136024.4); c.1574G>A, p.Trp525Ter (NM_001291868.2); c.1829G>A, p.Trp610Ter (NM_001440780.1); c.2105G>A, p.Trp702Ter (NM_198270.4); short protein forms W546*, W525*, W702*, W723*, W610*.
Identifiers: ClinVar variation 5002194 (VCV005002194.1).

ClinVar aggregate classification (germline): Likely pathogenic (1 of 4 stars; one submission).

Conditions:
NHS-related disorder. Also called: NHS-related condition.

Submission:

PreventionGenetics, part of Exact Sciences
Classification: Likely pathogenic for NHS-related condition. Last evaluated: 2025-06-04. Review status: criteria provided, single submitter. Criteria: ACMG Guidelines, 2015. Collection method: clinical testing. Allele origin: germline.
Comment: The NHS c.2105G>A variant is predicted to result in premature protein termination (p.Trp702*). To our knowledge, this variant has not been reported in the literature or in a large population database (gnomAD), indicating this variant is rare. Nonsense variants in NHS are expected to be pathogenic. This variant is interpreted as likely pathogenic.